The following is an entry in ClinVar:

ClinVar aggregate classification (germline): Uncertain significance. Review status: criteria provided, multiple submitters, no conflicts (2 of 4 stars). 2 submissions from 2 submitters: Uncertain significance (2). Last evaluated 2023-08-02.

Allele frequency attached by ClinVar (database versions not stated): gnomAD exomes below 0.00001; gnomAD 0.00001; ExAC 0.00002; 1000 Genomes Project 30x 0.00016; 1000 Genomes Project 0.00020.
gnomAD v4.1: 7 of 1,614,130 alleles (0.00043%); highest among the groups gnomAD compares: South Asian, 0.0077%; no homozygotes.

Submissions (2):

Ambry Genetics
Classification: Uncertain significance. Last evaluated: 2023-08-02. Review status: criteria provided, single submitter. Criteria: Ambry Variant Classification Scheme 2023. Collection method: clinical testing. Allele origin: germline.

Labcorp Genetics (formerly Invitae), Labcorp
Classification: Uncertain significance. Last evaluated: 2022-08-22. Review status: criteria provided, single submitter. Criteria: Invitae Variant Classification Sherloc (09022015). Collection method: clinical testing. Allele origin: germline.
Comment: In summary, the available evidence is currently insufficient to determine the role of this variant in disease. Therefore, it has been classified as a Variant of Uncertain Significance. Algorithms developed to predict the effect of missense changes on protein structure and function (SIFT, PolyPhen-2, Align-GVGD) all suggest that this variant is likely to be tolerated. This variant has not been reported in the literature in individuals affected with SNIP1-related conditions. This variant is present in population databases (rs562670069, gnomAD 0.01%). This sequence change replaces serine, which is neutral and polar, with asparagine, which is neutral and polar, at codon 225 of the SNIP1 protein (p.Ser225Asn).

NM_024700.4(SNIP1):c.674G>A (p.Ser225Asn)

Genes: SNIP1 (Smad nuclear interacting protein 1; minus strand), LOC126805704 (BRD4-independent group 4 enhancer GRCh37_chr1:38005292-38006491; plus strand). Cytogenetic location: 1p34.3.
Variant type: single nucleotide variant.
Coding change: c.674G>A on transcript NM_024700.4 (MANE Select); coding-DNA position 674, G replaced by A.
Protein change: p.Ser225Asn; replaces serine 225 with asparagine.
Molecular consequence: missense variant.
Genome position (GRCh38, 1-based): chr1:37,540,409, C>T on the plus strand (G>A on the coding strand, the complement: SNIP1 is on the minus strand). VCF-style: chr1-37540409-C-T. GRCh37 (hg19) VCF-style: chr1-38006010-C-T.
Other names: c.674G>A (NM_024700.2); short protein forms S225N.
Identifiers: ClinVar variation 2152165 (VCV002152165.6), dbSNP rs562670069, ClinGen allele CA771284.